The following is an entry in ClinVar:

ClinVar aggregate classification (germline): Uncertain significance (1 of 4 stars; one submission).

Conditions:
Inborn genetic diseases. Identifiers: MedGen C0950123, MeSH D030342.

Submission:

Ambry Genetics
Classification: Uncertain significance for Inborn genetic diseases. Last evaluated: 2025-11-02. Review status: criteria provided, single submitter. Criteria: Ambry Variant Classification Scheme 2023. Collection method: clinical testing. Allele origin: germline.
Comment: The p.D483Y variant (also known as c.1447G>T), located in coding exon 11 of the CEP57 gene, results from a G to T substitution at nucleotide position 1447. The aspartic acid at codon 483 is replaced by tyrosine, an amino acid with highly dissimilar properties. This amino acid position is conserved. In addition, the in silico prediction for this alteration is inconclusive. Based on the available evidence, the clinical significance of this variant remains unclear.

NM_014679.5(CEP57):c.1447G>T (p.Asp483Tyr)

Gene: CEP57 (centrosomal protein 57; plus strand). Cytogenetic location: 11q21.
Variant type: single nucleotide variant.
Coding change: c.1447G>T on transcript NM_014679.5 (MANE Select); coding-DNA position 1447, G replaced by T.
Protein change: p.Asp483Tyr; replaces aspartic acid 483 with tyrosine.
Molecular consequence: missense variant.
Genome position (GRCh38, 1-based): chr11:95,831,200, G>T. VCF-style: chr11-95831200-G-T. GRCh37 (hg19) VCF-style: chr11-95564364-G-T.
Other names: c.1420G>T, p.Asp474Tyr (NM_001243776.2); c.1369G>T, p.Asp457Tyr (NM_001243777.2); c.1366G>T, p.Asp456Tyr (NM_001363604.2, NM_001440869.1, NM_001440870.1); c.1339G>T, p.Asp447Tyr (NM_001440871.1); c.1330G>T, p.Asp444Tyr (NM_001440872.1); c.1267G>T, p.Asp423Tyr (NM_001440873.1); c.1261G>T, p.Asp421Tyr (NM_001440874.1); c.1258G>T, p.Asp420Tyr (NM_001440875.1); and 6 more; short protein forms D408Y, D417Y, D418Y, D421Y, D382Y, D396Y, D444Y, D447Y.
Identifiers: ClinVar variation 4613594 (VCV004613594.1).